The following is an entry in ClinVar:

NM_194248.3(OTOF):c.4491T>A (p.Tyr1497Ter)

Gene: OTOF (otoferlin; minus strand). Cytogenetic location: 2p23.3.
Variant type: single nucleotide variant.
Coding change: c.4491T>A on transcript NM_194248.3 (MANE Select); coding-DNA position 4491, T replaced by A.
Protein change: p.Tyr1497Ter; replaces tyrosine 1497 with a stop codon.
Molecular consequence: nonsense.
Genome position (GRCh38, 1-based): chr2:26,466,723, A>T on the plus strand (T>A on the coding strand, the complement: OTOF is on the minus strand). VCF-style: chr2-26466723-A-T. GRCh37 (hg19) VCF-style: chr2-26689591-A-T.
Other names: c.4491T>A, p.Tyr1497Ter (NM_001287489.2); c.2190T>A, p.Tyr730Ter (NM_004802.4, NM_194323.3); c.2421T>A, p.Tyr807Ter (NM_194322.3); short protein forms Y730*, Y1497*, Y807*.
Identifiers: ClinVar variation 6133 (VCV000006133.9), dbSNP rs80356600, ClinGen allele CA340522.

ClinVar aggregate classification (germline): Pathogenic. Review status: criteria provided, multiple submitters, no conflicts (2 of 4 stars). 4 submissions from 4 submitters: Pathogenic (2). 2 of the submissions do not count toward it. Last evaluated 2024-11-08.

Conditions:
Nonsyndromic genetic hearing loss. Also called: Nonsyndromic hearing loss and deafness; Nonsyndromic genetic deafness; Non-syndromic genetic deafness. Identifiers: Orphanet 87884, MedGen C5680182, MONDO:0019497.
Rare genetic deafness. Identifiers: Orphanet 96210, MedGen C5680250.
Autosomal recessive nonsyndromic hearing loss 9. Also called: AUDITORY NEUROPATHY, AUTOSOMAL RECESSIVE, 1, TEMPERATURE-SENSITIVE; NEUROSENSORY NONSYNDROMIC RECESSIVE DEAFNESS 9; OTOF-Related Hearing Loss; Deafness, autosomal recessive 9. Identifiers: Orphanet 90636, MedGen C1832828, MONDO:0010986, OMIM 601071.

Submissions (4):

Women's Health and Genetics/Laboratory Corporation of America, LabCorp
Classification: Pathogenic for Nonsyndromic genetic hearing loss. Last evaluated: 2024-11-08. Review status: criteria provided, single submitter. Criteria: LabCorp Variant Classification Summary - May 2015. Collection method: clinical testing. Allele origin: germline.
Comment: Variant summary: OTOF c.4491T>A (p.Tyr1497X) results in a premature termination codon, predicted to cause a truncation of the encoded protein or absence of the protein due to nonsense mediated decay, which are commonly known mechanisms for disease. The variant was absent in 251450 control chromosomes. c.4491T>A has been reported in the literature in multiple homozygous individuals affected with Nonsyndromic Hearing Loss And Deafness, Type 9 (Yasunaga_1999, Rodrguez-Ballesteros_2008). These data indicate that the variant is very likely to be associated with disease. To our knowledge, no experimental evidence demonstrating an impact on protein function has been reported. The following publications have been ascertained in the context of this evaluation (PMID: 18381613, 10192385). ClinVar contains an entry for this variant (Variation ID: 6133). Based on the evidence outlined above, the variant was classified as pathogenic.

Laboratory for Molecular Medicine, Mass General Brigham Personalized Medicine
Classification: Pathogenic for Rare genetic deafness. Last evaluated: 2015-02-26. Review status: criteria provided, single submitter. Criteria: LMM Criteria. Collection method: clinical testing. Allele origin: germline. Observed: 1 variant allele.
Comment: The p.Tyr1497X variant in OTOF has been reported in 5 Lebanese individuals with hearing loss and segregated with disease in 17 affected relatives from 4 familie s (Yasunaga 1999, Rodriguez-Ballesteros 2008). All individuals were homozygous a nd 1 individual was reported to have auditory neuropathy. The p.Tyr1497X variant has not been identified in large population studies. This nonsense variant lead s to a premature termination codon at position 1497, which is predicted to lead to a truncated or absent protein. In summary, the p.Tyr1497X variant meets our c riteria to be classified as pathogenic for hearing loss in an autosomal recessiv e manner based upon the predi cted impact on the protein, segregation studies, and low frequency in the genera l population.

OMIM
Classification: Pathogenic for DEAFNESS, AUTOSOMAL RECESSIVE 9. Last evaluated: 1999-04-01. Review status: no assertion criteria provided. Collection method: literature only. Allele origin: germline. Not counted in ClinVar's aggregate classification.

GeneReviews
No classification provided. Condition: Autosomal recessive nonsyndromic hearing loss 9. Review status: no classification provided. Collection method: literature only. Allele origin: unknown. Not counted in ClinVar's aggregate classification.

Literature cited by the submitters: PubMed 18381613 (cited by Women's Health and Genetics/Laboratory Corporation of America, LabCorp and Laboratory for Molecular Medicine, Mass General Brigham Personalized Medicine); PubMed 10192385 (cited by 3 submitters); PubMed 10903124 (cited by Laboratory for Molecular Medicine, Mass General Brigham Personalized Medicine and GeneReviews); PubMed 20301429 (cited by Laboratory for Molecular Medicine, Mass General Brigham Personalized Medicine and GeneReviews); PubMed 8789454 (cited by OMIM); NCBI Bookshelf NBK1251 (cited by GeneReviews).